The following is an entry in ClinVar:

NM_004260.4(RECQL4):c.296A>G (p.Gln99Arg)

Gene: RECQL4 (RecQ like helicase 4; minus strand). Cytogenetic location: 8q24.3.
Variant type: single nucleotide variant.
Coding change: c.296A>G on transcript NM_004260.4 (MANE Select); coding-DNA position 296, A replaced by G.
Protein change: p.Gln99Arg; replaces glutamine 99 with arginine.
Molecular consequence: missense variant.
Genome position (GRCh38, 1-based): chr8:144,517,108, T>C on the plus strand (A>G on the coding strand, the complement: RECQL4 is on the minus strand). VCF-style: chr8-144517108-T-C. GRCh37 (hg19) VCF-style: chr8-145742492-T-C.
Other names: c.296A>G (NM_004260.3); short protein forms Q99R.
Identifiers: ClinVar variation 1390376 (VCV001390376.7), dbSNP rs1586830416, ClinGen allele CA372692103.
Genomic context (GRCh38, chr8:144,517,108, plus strand): 5'-ACCTGCAGGGTGCCTTTCAGATTGGCCTTGAGCCGCTGCCCGTAGTCCGGCACCGAGCCC[T>C]GGCGGCTCCGCCCTGGCGTAGACTGTGGACTCTTGGTCGCAGCCCGATTCAGATGGGGCC-3'
Protein context (NP_004251.4, residues 89-109): SPQSTPGRSR[Gln99Arg]GSVPDYGQRL

ClinVar aggregate classification (germline): Uncertain significance. Review status: criteria provided, multiple submitters, no conflicts (2 of 4 stars). 2 submissions from 2 submitters: Uncertain significance (2). Last evaluated 2026-05-03.

Conditions:
Inborn genetic diseases. Identifiers: MedGen C0950123, MeSH D030342.
Baller-Gerold syndrome (BGS). Also called: CRANIOSYNOSTOSIS WITH RADIAL DEFECTS. Identifiers: Orphanet 1225, MedGen C0265308, MONDO:0009039, OMIM 218600.

Allele frequency attached by ClinVar (database versions not stated): gnomAD exomes below 0.00001.

Submissions (2):

Ambry Genetics
Classification: Uncertain significance for Inborn genetic diseases. Last evaluated: 2026-05-03. Review status: criteria provided, single submitter. Criteria: Ambry Variant Classification Scheme 2023. Collection method: clinical testing. Allele origin: germline.
Comment: The p.Q99R variant (also known as c.296A>G), located in coding exon 4 of the RECQL4 gene, results from an A to G substitution at nucleotide position 296. The glutamine at codon 99 is replaced by arginine, an amino acid with highly similar properties. This amino acid position is conserved. In addition, this alteration is predicted to be tolerated by in silico analysis. Based on the available evidence, the clinical significance of this variant remains unclear.

Labcorp Genetics (formerly Invitae), Labcorp
Classification: Uncertain significance for Baller-Gerold syndrome. Last evaluated: 2021-02-16. Review status: criteria provided, single submitter. Criteria: Invitae Variant Classification Sherloc (09022015). Collection method: clinical testing. Allele origin: germline.
Comment: This sequence change replaces glutamine with arginine at codon 99 of the RECQL4 protein (p.Gln99Arg). The glutamine residue is moderately conserved and there is a small physicochemical difference between glutamine and arginine. This variant is not present in population databases (ExAC no frequency). This variant has not been reported in the literature in individuals with RECQL4-related conditions. Experimental studies and prediction algorithms are not available or were not evaluated, and the functional significance of this variant is currently unknown. In summary, the available evidence is currently insufficient to determine the role of this variant in disease. Therefore, it has been classified as a Variant of Uncertain Significance.